The following is an entry in ClinVar:

ClinVar aggregate classification (germline): Likely benign (1 of 4 stars; one submission).

gnomAD v4.1: 1 of 1,579,674 alleles (0.000063%); highest among the groups gnomAD compares: Non-Finnish European, 0.000086%; no homozygotes.

Submission:

CeGaT Center for Human Genetics Tuebingen
Classification: Likely benign. Last evaluated: 2023-09-01. Review status: criteria provided, single submitter. Criteria: CeGaT Center For Human Genetics Tuebingen Variant Classification Criteria Version 2. Collection method: clinical testing. Allele origin: germline. Affected: yes. Observed: 1 variant allele.
Comment: STAG1: PM2:Supporting, BP4, BP7

NM_005862.3(STAG1):c.2514T>C (p.Phe838=)

Gene: STAG1 (STAG1 cohesin complex component; minus strand). Cytogenetic location: 3q22.3.
Variant type: single nucleotide variant.
Coding change: c.2514T>C on transcript NM_005862.3 (MANE Select); coding-DNA position 2514, T replaced by C.
Protein change: p.Phe838=; no amino-acid change (phenylalanine 838 retained).
Molecular consequence: synonymous variant.
Genome position (GRCh38, 1-based): chr3:136,369,139, A>G on the plus strand (T>C on the coding strand, the complement: STAG1 is on the minus strand). VCF-style: chr3-136369139-A-G. GRCh37 (hg19) VCF-style: chr3-136087981-A-G.
Identifiers: ClinVar variation 2654174 (VCV002654174.24), dbSNP rs2530127571, ClinGen allele CA435840683.